The following is an entry in ClinVar:

ClinVar aggregate classification (germline): Uncertain significance. Review status: criteria provided, multiple submitters, no conflicts (2 of 4 stars). 5 submissions from 5 submitters: Uncertain significance (4). 1 of the submissions does not count toward it. Last evaluated 2024-11-01.

Conditions:
Inborn genetic diseases. Identifiers: MedGen C0950123, MeSH D030342.
Very long chain acyl-CoA dehydrogenase deficiency (ACADVLD). Also called: Very Long-Chain Acyl-Coenzyme A Dehydrogenase Deficiency; VLCAD Deficiency. Identifiers: Orphanet 26793, MedGen C3887523, MONDO:0008723, OMIM 201475.

Allele frequency attached by ClinVar (database versions not stated): gnomAD exomes 0.00001 and 0.00006; ExAC 0.00002; TOPMed 0.00003; gnomAD 0.00006; ESP Exome Variant Server 0.00015; 1000 Genomes Project 0.00020; 1000 Genomes Project 30x 0.00031.
gnomAD v4.1: 97 of 1,614,052 alleles (0.006%); highest among the groups gnomAD compares: Non-Finnish European, 0.008%; no homozygotes.

Submissions (5):

Blueprint Genetics
Classification: Uncertain significance. Last evaluated: 2024-11-01. Review status: criteria provided, single submitter. Criteria: ACMG Guidelines, 2015. Collection method: clinical testing. Allele origin: germline.

Labcorp Genetics (formerly Invitae), Labcorp
Classification: Uncertain significance for Very long chain acyl-CoA dehydrogenase deficiency. Last evaluated: 2024-01-15. Review status: criteria provided, single submitter. Criteria: Invitae Variant Classification Sherloc (09022015). Collection method: clinical testing. Allele origin: germline.
Comment: This sequence change replaces lysine, which is basic and polar, with glutamic acid, which is acidic and polar, at codon 195 of the ACADVL protein (p.Lys195Glu). This variant is present in population databases (rs199763196, gnomAD 0.003%). This variant has not been reported in the literature in individuals affected with ACADVL-related conditions. ClinVar contains an entry for this variant (Variation ID: 845611). Advanced modeling of protein sequence and biophysical properties (such as structural, functional, and spatial information, amino acid conservation, physicochemical variation, residue mobility, and thermodynamic stability) has been performed at Invitae for this missense variant, however the output from this modeling did not meet the statistical confidence thresholds required to predict the impact of this variant on ACADVL protein function. In summary, the available evidence is currently insufficient to determine the role of this variant in disease. Therefore, it has been classified as a Variant of Uncertain Significance.

Ambry Genetics
Classification: Uncertain significance for Inborn genetic diseases. Last evaluated: 2023-06-16. Review status: criteria provided, single submitter. Criteria: Ambry Variant Classification Scheme 2023. Collection method: clinical testing. Allele origin: germline.

Illumina Laboratory Services, Illumina
Classification: Uncertain significance for Very long chain acyl-CoA dehydrogenase deficiency. Last evaluated: 2018-01-13. Review status: criteria provided, single submitter. Criteria: ICSL Variant Classification Criteria 13 December 2019. Collection method: clinical testing. Allele origin: germline.

Natera, Inc.
Classification: Uncertain significance for Very long chain acyl-CoA dehydrogenase deficiency. Last evaluated: 2020-08-25. Review status: no assertion criteria provided. Collection method: clinical testing. Allele origin: germline. Not counted in ClinVar's aggregate classification.

NM_000018.4(ACADVL):c.583A>G (p.Lys195Glu)

Gene: ACADVL (acyl-CoA dehydrogenase very long chain; plus strand). Cytogenetic location: 17p13.1.
Variant type: single nucleotide variant.
Coding change: c.583A>G on transcript NM_000018.4 (MANE Select); coding-DNA position 583, A replaced by G.
Protein change: p.Lys195Glu; replaces lysine 195 with glutamic acid.
Molecular consequence: missense variant.
Genome position (GRCh38, 1-based): chr17:7,221,643, A>G. VCF-style: chr17-7221643-A-G. GRCh37 (hg19) VCF-style: chr17-7124962-A-G.
Other names: c.517A>G, p.Lys173Glu (NM_001033859.3); c.652A>G, p.Lys218Glu (NM_001270447.2); c.355A>G, p.Lys119Glu (NM_001270448.2); c.583A>G (NM_000018.2); short protein forms K119E, K195E, K218E, K173E.
Identifiers: ClinVar variation 845611 (VCV000845611.13), dbSNP rs199763196, ClinGen allele CA8337763.